The following is an entry in ClinVar:

NM_000747.3(CHRNB1):c.1039C>T (p.Arg347Cys)

Gene: CHRNB1 (cholinergic receptor nicotinic beta 1 subunit; plus strand). Cytogenetic location: 17p13.1.
Variant type: single nucleotide variant.
Coding change: c.1039C>T on transcript NM_000747.3 (MANE Select); coding-DNA position 1039, C replaced by T.
Protein change: p.Arg347Cys; replaces arginine 347 with cysteine.
Molecular consequence: missense variant.
Genome position (GRCh38, 1-based): chr17:7,454,515, C>T. VCF-style: chr17-7454515-C-T. GRCh37 (hg19) VCF-style: chr17-7357834-C-T.
Other names: c.1039C>T (NM_000747.2); short protein forms R347C.
Identifiers: ClinVar variation 2717508 (VCV002717508.5), dbSNP rs201913823, ClinGen allele CA8347938.

ClinVar aggregate classification (germline): Uncertain significance. Review status: criteria provided, multiple submitters, no conflicts (2 of 4 stars). 3 submissions from 3 submitters: Uncertain significance (3). Last evaluated 2025-11-04.

Conditions:
Inborn genetic diseases. Identifiers: MedGen C0950123, MeSH D030342.
Congenital myasthenic syndrome 2A. Also called: Myasthenic syndrome, congenital, 2a, slow-channel. Identifiers: Orphanet 590, MedGen C4225374, MONDO:0014581, OMIM 616313.

Allele frequency attached by ClinVar (database versions not stated): TOPMed 0.00002; gnomAD 0.00004; ExAC 0.00007; 1000 Genomes Project 30x 0.00016; 1000 Genomes Project 0.00020.
gnomAD v4.1: 65 of 1,613,760 alleles (0.004%); highest among the groups gnomAD compares: Middle Eastern, 0.099%; no homozygotes.

Submissions (3):

Labcorp Genetics (formerly Invitae), Labcorp
Classification: Uncertain significance for Congenital myasthenic syndrome 2A. Last evaluated: 2025-11-04. Review status: criteria provided, single submitter. Criteria: Invitae Variant Classification Sherloc (09022015). Collection method: clinical testing. Allele origin: germline.
Comment: This sequence change replaces arginine, which is basic and polar, with cysteine, which is neutral and slightly polar, at codon 347 of the CHRNB1 protein (p.Arg347Cys). This variant is present in population databases (rs201913823, gnomAD 0.02%). This variant has not been reported in the literature in individuals affected with CHRNB1-related conditions. ClinVar contains an entry for this variant (Variation ID: 2717508). Invitae Evidence Modeling of protein sequence and biophysical properties (such as structural, functional, and spatial information, amino acid conservation, physicochemical variation, residue mobility, and thermodynamic stability) has been performed for this missense variant. However, the output from this modeling did not meet the statistical confidence thresholds required to predict the impact of this variant on CHRNB1 protein function. In summary, the available evidence is currently insufficient to determine the role of this variant in disease. Therefore, it has been classified as a Variant of Uncertain Significance.

Ambry Genetics
Classification: Uncertain significance for Inborn genetic diseases. Last evaluated: 2024-08-28. Review status: criteria provided, single submitter. Criteria: Ambry Variant Classification Scheme 2023. Collection method: clinical testing. Allele origin: germline.

Revvity Omics, Revvity
Classification: Uncertain significance. Last evaluated: 2024-02-19. Review status: criteria provided, single submitter. Criteria: ACMG Guidelines, 2015. Collection method: clinical testing. Allele origin: germline.